The following is an entry in ClinVar:

NM_007294.4(BRCA1):c.2162_2165del (p.Phe721fs)

Gene: BRCA1 (BRCA1 DNA repair associated; minus strand). Cytogenetic location: 17q21.31.
Variant type: Deletion.
Coding change: c.2162_2165del on transcript NM_007294.4 (MANE Select); coding-DNA positions 2162 to 2165, 4 bases deleted (TTGT; older notation c.2162_2165delTTGT).
Protein change: p.Phe721fs; shifts the reading frame from phenylalanine 721.
Molecular consequence: frameshift variant. On other transcripts: intron variant (137).
Genome position (GRCh38, 1-based): chr17:43,093,366-43,093,369, ACAA deleted on the plus strand (TTGT on the coding strand, the reverse complement: BRCA1 is on the minus strand); deleting any 4 consecutive bases within chr17:43,093,366-43,093,370 gives the same sequence; the c. name uses the placement nearest the transcript's 3' end. VCF-style (leftmost placement, unchanged base first): chr17-43093365-GACAA-G. GRCh37 (hg19) VCF-style: chr17-41245382-GACAA-G.
Other names: c.2021_2024del, p.Phe674fs (NM_001407944.1, NM_001407945.1, NM_001407942.1 and 29 more transcripts); c.1829_1832del, p.Phe610fs (NM_001407946.1, NM_001407947.1, NM_001407948.1 and 6 more transcripts); c.2039_2042del, p.Phe680fs (NM_001407939.1, NM_001407648.1, NM_001407664.1 and 19 more transcripts); c.2036_2039del, p.Phe679fs (NM_001407940.1, NM_001407941.1, NM_001407649.1 and 11 more transcripts); c.2018_2021del, p.Phe673fs (NM_001407943.1, NM_001407740.1, NM_001407741.1 and 20 more transcripts); c.1949_1952del, p.Phe650fs (NM_001407571.1, NM_001407853.1, NM_001407894.1 and 9 more transcripts); c.2162_2165del, p.Phe721fs (NM_001407581.1, NM_001407582.1, NM_001407583.1 and 30 more transcripts); c.2159_2162del, p.Phe720fs (NM_001407587.1, NM_001407590.1, NM_001407591.1 and 22 more transcripts); and 41 more; short protein forms F674fs, F721fs, F633fs, F650fs, F673fs, F695fs, F720fs, F425fs.
Identifiers: ClinVar variation 1075630 (VCV001075630.8), dbSNP rs2154395922, ClinGen allele CA2499224518.

ClinVar aggregate classification (germline): Pathogenic (1 of 4 stars; one submission).

Conditions:
Hereditary breast ovarian cancer syndrome. Also called: Hereditary breast and ovarian cancer; Breast and ovarian cancer; BRCA1- and BRCA2-Associated Hereditary Breast and Ovarian Cancer; Hereditary breast and/or ovarian cancer syndrome; Hereditary breast and ovarian cancer syndrome; Hereditary breast and ovarian cancer syndrome (HBOC). Identifiers: Orphanet 145, MedGen C0677776, MeSH D061325, MONDO:0003582. Disease mechanism: loss of function.

Submission:

Labcorp Genetics (formerly Invitae), Labcorp
Classification: Pathogenic for Hereditary breast ovarian cancer syndrome. Last evaluated: 2017-12-31. Review status: criteria provided, single submitter. Criteria: Invitae Variant Classification Sherloc (09022015). Collection method: clinical testing. Allele origin: germline.
Comment: For these reasons, this variant has been classified as Pathogenic. This sequence change creates a premature translational stop signal (p.Phe721Serfs*14) in the BRCA1 gene. It is expected to result in an absent or disrupted protein product. This variant is not present in population databases (ExAC no frequency). This variant has not been reported in the literature in individuals with BRCA1-related disease. Loss-of-function variants in BRCA1 are known to be pathogenic (PMID: 20104584).

Literature cited by the submitters: PubMed 20104584.